The following is an entry in ClinVar:

NM_153717.3(EVC):c.*1700C>T

Gene: EVC (EvC ciliary complex subunit 1; plus strand). Cytogenetic location: 4p16.2.
Variant type: single nucleotide variant.
Coding change: c.*1700C>T on transcript NM_153717.3 (MANE Select); 1700 bases downstream of the stop codon, C replaced by T.
Molecular consequence: 3 prime UTR variant.
Genome position (GRCh38, 1-based): chr4:5,812,737, C>T. VCF-style: chr4-5812737-C-T. GRCh37 (hg19) VCF-style: chr4-5814464-C-T.
Other names: c.*1700C>T (NM_001306090.2).
Identifiers: ClinVar variation 349257 (VCV000349257.5), dbSNP rs74690944, ClinGen allele CA10621417.

ClinVar aggregate classification (germline): Benign (1 of 4 stars; one submission).

Conditions:
Ellis-van Creveld syndrome (EVC). Also called: EVC-Related Ellis-van Creveld Syndrome; EVC2-Related Ellis-van Creveld Syndrome; MESOECTODERMAL DYSPLASIA; Chondroectodermal dysplasia. Identifiers: Orphanet 289, MedGen C0013903, MONDO:0009162, OMIM 225500.

Allele frequency attached by ClinVar (database versions not stated): gnomAD 0.01101 and 0.01179; 1000 Genomes Project 0.01318; 1000 Genomes Project 30x 0.01327; TOPMed 0.01336.

Submission:

Illumina Laboratory Services, Illumina
Classification: Benign for Ellis-van Creveld syndrome. Last evaluated: 2018-01-13. Review status: criteria provided, single submitter. Criteria: ICSL Variant Classification Criteria 13 December 2019. Collection method: clinical testing. Allele origin: germline.
Comment: This variant was observed in the ICSL laboratory as part of a predisposition screen in an ostensibly healthy population. It had not been previously curated by ICSL or reported in the Human Gene Mutation Database (HGMD: prior to June 1st, 2018), and was therefore a candidate for classification through an automated scoring system. Utilizing variant allele frequency, disease prevalence and penetrance estimates, and inheritance mode, an automated score was calculated to assess if this variant is too frequent to cause the disease. Based on the score and internal cut-off values, a variant classified as benign is not then subjected to further curation. The score for this variant resulted in a classification of benign for this disease.